The following is an entry in ClinVar:

NM_007286.6(SYNPO):c.937G>A (p.Gly313Arg)

Gene: SYNPO (synaptopodin; plus strand). Cytogenetic location: 5q33.1.
Variant type: single nucleotide variant.
Coding change: c.937G>A on transcript NM_007286.6 (MANE Select); coding-DNA position 937, G replaced by A.
Protein change: p.Gly313Arg; replaces glycine 313 with arginine.
Molecular consequence: missense variant.
Genome position (GRCh38, 1-based): chr5:150,649,212, G>A. VCF-style: chr5-150649212-G-A. GRCh37 (hg19) VCF-style: chr5-150028774-G-A.
Other names: c.937G>A, p.Gly313Arg (NM_001109974.3); c.1669G>A, p.Gly557Arg (NM_001166208.2, NM_001166209.2); short protein forms G313R, G557R.
Identifiers: ClinVar variation 1919060 (VCV001919060.5), dbSNP rs1320261343, ClinGen allele CA361781497.

ClinVar aggregate classification (germline): Uncertain significance (1 of 4 stars; one submission).

Allele frequency attached by ClinVar (database versions not stated): gnomAD 0.00001; TOPMed 0.00001.

Submission:

Labcorp Genetics (formerly Invitae), Labcorp
Classification: Uncertain significance. Last evaluated: 2025-06-12. Review status: criteria provided, single submitter. Criteria: Invitae Variant Classification Sherloc (09022015). Collection method: clinical testing. Allele origin: germline.
Comment: This sequence change replaces glycine, which is neutral and non-polar, with arginine, which is basic and polar, at codon 313 of the SYNPO protein (p.Gly313Arg). This variant is present in population databases (no rsID available, gnomAD 0.01%). This variant has not been reported in the literature in individuals affected with SYNPO-related conditions. ClinVar contains an entry for this variant (Variation ID: 1919060). An algorithm developed to predict the effect of missense changes on protein structure and function (PolyPhen-2) suggests that this variant is likely to be disruptive. In summary, the available evidence is currently insufficient to determine the role of this variant in disease. Therefore, it has been classified as a Variant of Uncertain Significance.